The following is an entry in ClinVar:

ClinVar aggregate classification (germline): Uncertain significance (1 of 4 stars; one submission).

Conditions:
Early-onset Lafora body disease. Also called: Epilepsy, progressive myoclonic, 10. Identifiers: Orphanet 324290, MedGen C4225258, MONDO:0014717, OMIM 616640.

Allele frequency attached by ClinVar (database versions not stated): gnomAD exomes below 0.00001; ExAC 0.00001.

Submission:

Labcorp Genetics (formerly Invitae), Labcorp
Classification: Uncertain significance for Early-onset Lafora body disease. Last evaluated: 2021-01-28. Review status: criteria provided, single submitter. Criteria: Invitae Variant Classification Sherloc (09022015). Collection method: clinical testing. Allele origin: germline.
Comment: In summary, the available evidence is currently insufficient to determine the role of this variant in disease. Therefore, it has been classified as a Variant of Uncertain Significance. Algorithms developed to predict the effect of missense changes on protein structure and function (SIFT, PolyPhen-2, Align-GVGD) all suggest that this variant is likely to be tolerated, but these predictions have not been confirmed by published functional studies and their clinical significance is uncertain. This variant has not been reported in the literature in individuals with PRDM8-related conditions. This variant is present in population databases (rs766294833, ExAC 0.006%). This sequence change replaces glutamine with lysine at codon 20 of the PRDM8 protein (p.Gln20Lys). The glutamine residue is highly conserved and there is a small physicochemical difference between glutamine and lysine.

NM_001099403.2(PRDM8):c.58C>A (p.Gln20Lys)

Gene: PRDM8 (PR/SET domain 8; plus strand). Cytogenetic location: 4q21.21.
Variant type: single nucleotide variant.
Coding change: c.58C>A on transcript NM_001099403.2 (MANE Select); coding-DNA position 58, C replaced by A.
Protein change: p.Gln20Lys; replaces glutamine 20 with lysine.
Molecular consequence: missense variant.
Genome position (GRCh38, 1-based): chr4:80,200,138, C>A. VCF-style: chr4-80200138-C-A. GRCh37 (hg19) VCF-style: chr4-81121292-C-A.
Other names: c.58C>A, p.Gln20Lys (NM_020226.4); short protein forms Q20K.
Identifiers: ClinVar variation 1504980 (VCV001504980.8), dbSNP rs766294833, ClinGen allele CA2982119.